The following is an entry in ClinVar:

ClinVar aggregate classification (germline): Uncertain significance (1 of 4 stars; one submission).

Conditions:
Multiple endocrine neoplasia, type 2 (MEN2). Identifiers: Orphanet 653, MedGen C4048306, MONDO:0019003. Disease mechanism: gain of function.

Submission:

Labcorp Genetics (formerly Invitae), Labcorp
Classification: Uncertain significance for Multiple endocrine neoplasia, type 2. Last evaluated: 2024-04-29. Review status: criteria provided, single submitter. Criteria: Invitae Variant Classification Sherloc (09022015). Collection method: clinical testing. Allele origin: germline.
Comment: This sequence change replaces asparagine, which is neutral and polar, with lysine, which is basic and polar, at codon 394 of the RET protein (p.Asn394Lys). This variant is not present in population databases (gnomAD no frequency). This missense change has been observed in individual(s) with Hirschsprung disease (PMID: 10618407). An algorithm developed to predict the effect of missense changes on protein structure and function (PolyPhen-2) suggests that this variant is likely to be tolerated. In summary, the available evidence is currently insufficient to determine the role of this variant in disease. Therefore, it has been classified as a Variant of Uncertain Significance.

Literature cited by the submitters: PubMed 10618407.

NM_020975.6(RET):c.1182C>A (p.Asn394Lys)

Gene: RET (ret proto-oncogene; plus strand). Cytogenetic location: 10q11.21.
Variant type: single nucleotide variant.
Coding change: c.1182C>A on transcript NM_020975.6 (MANE Select); coding-DNA position 1182, C replaced by A.
Protein change: p.Asn394Lys; replaces asparagine 394 with lysine.
Molecular consequence: missense variant. On other transcripts: intron variant (18).
Genome position (GRCh38, 1-based): chr10:43,109,149, C>A. VCF-style: chr10-43109149-C-A. GRCh37 (hg19) VCF-style: chr10-43604597-C-A.
Other names: c.1182C>A, p.Asn394Lys (NM_001406743.1, NM_001406744.1, NM_001406759.1 and 4 more transcripts); c.1053C>A, p.Asn351Lys (NM_001406761.1, NM_001406762.1, NM_001406764.1 and 1 more transcripts); c.420C>A, p.Asn140Lys (NM_001355216.2); c.192C>A, p.Asn64Lys (NM_001406784.1); c.868-2058C>A (NM_001406772.1, NM_001406769.1); c.626-2950C>A (NM_001406782.1, NM_001406780.1, NM_001406779.1 and 3 more transcripts); c.739-2058C>A (NM_001406774.1); c.497-2950C>A (NM_001406786.1, NM_001406783.1); and 5 more; short protein forms N140K, N351K, N152K, N248K, N298K, N394K, N64K.
Identifiers: ClinVar variation 3651549 (VCV003651549.2).